The following is an entry in ClinVar:

NM_002618.4(PEX13):c.67G>C (p.Gly23Arg)

Genes: PEX13 (peroxisomal biogenesis factor 13; plus strand), PUS10 (pseudouridine synthase 10; minus strand). Cytogenetic location: 2p15.
Variant type: single nucleotide variant.
Coding change: c.67G>C on transcript NM_002618.4 (MANE Select); coding-DNA position 67, G replaced by C.
Protein change: p.Gly23Arg; replaces glycine 23 with arginine.
Molecular consequence: missense variant. On other transcripts: intron variant (2).
Genome position (GRCh38, 1-based): chr2:61,017,826, G>C. VCF-style: chr2-61017826-G-C. GRCh37 (hg19) VCF-style: chr2-61244961-G-C.
Other names: c.-16+182C>G (NM_144709.4); c.-623+182C>G (NM_001322127.1); short protein forms G23R.
Identifiers: ClinVar variation 2103387 (VCV002103387.4), dbSNP rs867920633, ClinGen allele CA346937087.

ClinVar aggregate classification (germline): Uncertain significance (1 of 4 stars; one submission).

Conditions:
Peroxisome biogenesis disorder 11A (Zellweger). Also called: Peroxisome biogenesis disorder 11A. Identifiers: Orphanet 912, MedGen C3554000, MONDO:0013949, OMIM 614883.

Allele frequency attached by ClinVar (database versions not stated): 1000 Genomes Project 30x 0.00016.
gnomAD v4.1: 5 of 1,550,544 alleles (0.00032%); highest among the groups gnomAD compares: African/African-American, 0.0027%; no homozygotes.

Submission:

Labcorp Genetics (formerly Invitae), Labcorp
Classification: Uncertain significance for Peroxisome biogenesis disorder 11A (Zellweger). Last evaluated: 2022-02-25. Review status: criteria provided, single submitter. Criteria: Invitae Variant Classification Sherloc (09022015). Collection method: clinical testing. Allele origin: germline.
Comment: This sequence change replaces glycine, which is neutral and non-polar, with arginine, which is basic and polar, at codon 23 of the PEX13 protein (p.Gly23Arg). This variant is present in population databases (no rsID available, gnomAD 0.002%). This variant has not been reported in the literature in individuals affected with PEX13-related conditions. Algorithms developed to predict the effect of missense changes on protein structure and function (SIFT, PolyPhen-2, Align-GVGD) all suggest that this variant is likely to be tolerated. In summary, the available evidence is currently insufficient to determine the role of this variant in disease. Therefore, it has been classified as a Variant of Uncertain Significance.